The following is an entry in ClinVar:

ClinVar aggregate classification (germline): Uncertain significance (1 of 4 stars; one submission).

Submission:

GeneDx
Classification: Uncertain significance. Last evaluated: 2024-04-08. Review status: criteria provided, single submitter. Criteria: GeneDx Variant Classification Process June 2021. Collection method: clinical testing. Allele origin: germline. Affected: yes.
Comment: Not observed at significant frequency in large population cohorts (gnomAD); In silico analysis supports that this missense variant has a deleterious effect on protein structure/function; Has not been previously published as pathogenic or benign to our knowledge; Also known as p.(K186Q)

NM_000157.4(GBA1):c.673A>C (p.Lys225Gln)

Genes: GBA1 (glucosylceramidase beta 1; minus strand), LOC106627981 (GBA recombination region; plus strand). Cytogenetic location: 1q22.
Variant type: single nucleotide variant.
Coding change: c.673A>C on transcript NM_000157.4 (MANE Select); coding-DNA position 673, A replaced by C.
Protein change: p.Lys225Gln; replaces lysine 225 with glutamine.
Molecular consequence: missense variant.
Genome position (GRCh38, 1-based): chr1:155,238,222, T>G on the plus strand (A>C on the coding strand, the complement: GBA1 is on the minus strand). VCF-style: chr1-155238222-T-G. GRCh37 (hg19) VCF-style: chr1-155208013-T-G.
Other names: c.673A>C, p.Lys225Gln (NM_001005741.3, NM_001005742.3); c.412A>C, p.Lys138Gln (NM_001171811.2); c.526A>C, p.Lys176Gln (NM_001171812.2); short protein forms K138Q, K176Q, K225Q.
Identifiers: ClinVar variation 3371588 (VCV003371588.1).